The following is an entry in ClinVar:

NM_001077653.2(TBX20):c.413C>T (p.Ser138Leu)

Gene: TBX20 (T-box transcription factor 20; minus strand). Cytogenetic location: 7p14.2.
Variant type: single nucleotide variant.
Coding change: c.413C>T on transcript NM_001077653.2 (MANE Select); coding-DNA position 413, C replaced by T.
Protein change: p.Ser138Leu; replaces serine 138 with leucine.
Molecular consequence: missense variant.
Genome position (GRCh38, 1-based): chr7:35,248,809, G>A on the plus strand (C>T on the coding strand, the complement: TBX20 is on the minus strand). VCF-style: chr7-35248809-G-A. GRCh37 (hg19) VCF-style: chr7-35288421-G-A.
Other names: c.413C>T, p.Ser138Leu (NM_001166220.1); short protein forms S138L.
Identifiers: ClinVar variation 1306475 (VCV001306475.9), dbSNP rs778902854, ClinGen allele CA4217512.

ClinVar aggregate classification (germline): Uncertain significance. Review status: criteria provided, multiple submitters, no conflicts (2 of 4 stars). 4 submissions from 4 submitters: Uncertain significance (4). Last evaluated 2025-10-01.

Conditions:
Cardiovascular phenotype. Identifiers: MedGen CN230736.
Atrial septal defect 4 (ASD4). Identifiers: Orphanet 1478, MedGen C1969657, MONDO:0012654, OMIM 611363.

Allele frequency attached by ClinVar (database versions not stated): TOPMed 0.00002; gnomAD exomes 0.00001; ExAC 0.00001; gnomAD 0.00001.
gnomAD v4.1: 17 of 1,613,962 alleles (0.0011%); highest among the groups gnomAD compares: South Asian, 0.0044%; no homozygotes.

Submissions (4):

Labcorp Genetics (formerly Invitae), Labcorp
Classification: Uncertain significance. Last evaluated: 2025-10-01. Review status: criteria provided, single submitter. Criteria: Invitae Variant Classification Sherloc (09022015). Collection method: clinical testing. Allele origin: germline.
Comment: This sequence change replaces serine, which is neutral and polar, with leucine, which is neutral and non-polar, at codon 138 of the TBX20 protein (p.Ser138Leu). This variant is present in population databases (rs778902854, gnomAD 0.003%). This variant has not been reported in the literature in individuals affected with TBX20-related conditions. ClinVar contains an entry for this variant (Variation ID: 1306475). Invitae Evidence Modeling of protein sequence and biophysical properties (such as structural, functional, and spatial information, amino acid conservation, physicochemical variation, residue mobility, and thermodynamic stability) indicates that this missense variant is not expected to disrupt TBX20 protein function with a negative predictive value of 80%. In summary, the available evidence is currently insufficient to determine the role of this variant in disease. Therefore, it has been classified as a Variant of Uncertain Significance.

Ambry Genetics
Classification: Uncertain significance for Cardiovascular phenotype. Last evaluated: 2025-09-09. Review status: criteria provided, single submitter. Criteria: Ambry Variant Classification Scheme 2023. Collection method: clinical testing. Allele origin: germline.

Fulgent Genetics
Classification: Uncertain significance for Atrial septal defect 4. Last evaluated: 2021-10-07. Review status: criteria provided, single submitter. Criteria: ACMG Guidelines, 2015. Collection method: clinical testing. Allele origin: unknown.

GeneDx
Classification: Uncertain significance. Last evaluated: 2019-06-17. Review status: criteria provided, single submitter. Criteria: GeneDx Variant Classification Process June 2021. Collection method: clinical testing. Allele origin: germline. Affected: yes.
Comment: Has not been previously published as pathogenic or benign to our knowledge; Not observed at a significant frequency in large population cohorts (Lek et al., 2016); In silico analysis, which includes protein predictors and evolutionary conservation, supports a deleterious effect